The following is an entry in ClinVar:

NM_000492.4(CFTR):c.1643_1644delinsCT (p.Leu548Pro)

Genes: CFTR (CF transmembrane conductance regulator; plus strand), LOC111674475 (CFTR intron 11 enhancer; plus strand). Cytogenetic location: 7q31.2.
Variant type: Indel.
Coding change: c.1643_1644delinsCT on transcript NM_000492.4 (MANE Select); coding-DNA positions 1643 to 1644, TG replaced by CT.
Protein change: p.Leu548Pro; replaces leucine 548 with proline.
Molecular consequence: missense variant.
Genome position (GRCh38, 1-based): chr7:117,587,797-117,587,798, TG replaced by CT. VCF-style: chr7-117587797-TG-CT. GRCh37 (hg19) VCF-style: chr7-117227851-TG-CT.
Other names: short protein forms L548P.
Identifiers: ClinVar variation 1777083 (VCV001777083.2), dbSNP rs2485104221, ClinGen allele CA2580076313.

ClinVar aggregate classification (germline): Uncertain significance (1 of 4 stars; one submission).

Conditions:
Cystic fibrosis (CF). Also called: MUCOVISCIDOSIS. Identifiers: Orphanet 586, MedGen C0010674, MONDO:0009061, OMIM 219700. Disease mechanism: loss of function.

Submission:

Ambry Genetics
Classification: Uncertain significance for Cystic fibrosis. Last evaluated: 2018-12-18. Review status: criteria provided, single submitter. Criteria: Ambry Variant Classification Scheme 2023. Collection method: clinical testing. Allele origin: germline.
Comment: The c.1643_1644delTGinsCT variant (also known as p.L548P), located in coding exon 12 of the CFTR gene, results from an in-frame deletion of TG and insertion of CT at nucleotide positions 1643 to 1644. This results in the substitution of the leucine residue for a proline residue at codon 548, an amino acid with similar properties. This amino acid position is highly conserved in available vertebrate species. Since supporting evidence is limited at this time, the clinical significance of this alteration remains unclear.